The following is an entry in ClinVar:

NM_138713.4(NFAT5):c.1541T>C (p.Met514Thr)

Gene: NFAT5 (nuclear factor of activated T cells 5; plus strand). Cytogenetic location: 16q22.1.
Variant type: single nucleotide variant.
Coding change: c.1541T>C on transcript NM_138713.4 (MANE Select); coding-DNA position 1541, T replaced by C.
Protein change: p.Met514Thr; replaces methionine 514 with threonine.
Molecular consequence: missense variant.
Genome position (GRCh38, 1-based): chr16:69,670,272, T>C. VCF-style: chr16-69670272-T-C. GRCh37 (hg19) VCF-style: chr16-69704175-T-C.
Other names: c.1541T>C, p.Met514Thr (NM_001113178.3); c.869T>C, p.Met290Thr (NM_001367709.1); c.1487T>C, p.Met496Thr (NM_006599.4); c.1259T>C, p.Met420Thr (NM_138714.4, NM_173214.3, NM_173215.3); short protein forms M290T, M420T, M496T, M514T.
Identifiers: ClinVar variation 4809538 (VCV004809538.1).
Genomic context (GRCh38, chr16:69,670,272, plus strand): 5'-TAAATCACTTTTTATTTCAATCAGATGAAAACTCTTGGAAGTCAGAAGCTGAAATTGATA[T>C]GGAACTATTTCATCAGGTAAAATTTAAGCTTTTTTTATAATTTGGTTATTTACTCTCTGA-3'
Protein context (NP_619727.2, residues 504-524): NSWKSEAEID[Met514Thr]ELFHQNHLIV

ClinVar aggregate classification (germline): Uncertain significance (1 of 4 stars; one submission).

Conditions:
Immunodeficiency. Identifiers: MedGen C0021051, MONDO:0021094, HP:0002721.

gnomAD v4.1: 5 of 1,581,586 alleles (0.00032%); highest among the groups gnomAD compares: East Asian, 0.0023%; no homozygotes.

Submission:

Labcorp Genetics (formerly Invitae), Labcorp
Classification: Uncertain significance for Immunodeficiency. Last evaluated: 2025-07-07. Review status: criteria provided, single submitter. Criteria: Invitae Variant Classification Sherloc (09022015). Collection method: clinical testing. Allele origin: germline.
Comment: This sequence change replaces methionine, which is neutral and non-polar, with threonine, which is neutral and polar, at codon 420 of the NFAT5 protein (p.Met420Thr). The frequency data for this variant in the population databases is considered unreliable, as metrics indicate poor data quality at this position in the gnomAD database. This variant has not been reported in the literature in individuals affected with NFAT5-related conditions. An algorithm developed to predict the effect of missense changes on protein structure and function (PolyPhen-2) suggests that this variant is likely to be disruptive. In summary, the available evidence is currently insufficient to determine the role of this variant in disease. Therefore, it has been classified as a Variant of Uncertain Significance.